The following is an entry in ClinVar:

ClinVar aggregate classification (germline): Uncertain significance (1 of 4 stars; one submission).

Submission:

GeneDx
Classification: Uncertain significance. Last evaluated: 2025-04-03. Review status: criteria provided, single submitter. Criteria: GeneDx Variant Classification Process June 2021. Collection method: clinical testing. Allele origin: germline.
Comment: Not observed at significant frequency in large population cohorts (gnomAD); In silico analysis indicates that this missense variant does not alter protein structure/function; Has not been previously published as pathogenic or benign to our knowledge

NM_001161352.2(KCNMA1):c.287T>C (p.Val96Ala)

Gene: KCNMA1 (potassium calcium-activated channel subfamily M alpha 1; minus strand). Cytogenetic location: 10q22.3.
Variant type: single nucleotide variant.
Coding change: c.287T>C on transcript NM_001161352.2 (MANE Select); coding-DNA position 287, T replaced by C.
Protein change: p.Val96Ala; replaces valine 96 with alanine.
Molecular consequence: missense variant.
Genome position (GRCh38, 1-based): chr10:77,637,356, A>G on the plus strand (T>C on the coding strand, the complement: KCNMA1 is on the minus strand). VCF-style: chr10-77637356-A-G. GRCh37 (hg19) VCF-style: chr10-79397114-A-G.
Other names: c.287T>C, p.Val96Ala (NM_001014797.3, NM_001161353.2, NM_001271518.2 and 13 more transcripts); short protein forms V96A.
Identifiers: ClinVar variation 3392918 (VCV003392918.2).